The following is an entry in ClinVar:

NM_016955.4(SEPSECS):c.443dup (p.Thr149fs)

Gene: SEPSECS (Sep (O-phosphoserine) tRNA:Sec (selenocysteine) tRNA synthase; minus strand). Cytogenetic location: 4p15.2.
Variant type: Duplication.
Coding change: c.443dup on transcript NM_016955.4 (MANE Select); coding-DNA position 443, one base duplicated (T; older notation c.443dupT).
Protein change: p.Thr149fs; shifts the reading frame from threonine 149.
Molecular consequence: frameshift variant.
Genome position (GRCh38, 1-based): chr4:25,156,141, A duplicated on the plus strand (T on the coding strand, the reverse complement: SEPSECS is on the minus strand). VCF-style (leftmost placement, unchanged base first): chr4-25156140-T-TA. GRCh37 (hg19) VCF-style: chr4-25157762-T-TA.
Other names: short protein forms T149fs.
Identifiers: ClinVar variation 857931 (VCV000857931.7), dbSNP rs1560336118, ClinGen allele CA550289646.

ClinVar aggregate classification (germline): Pathogenic (1 of 4 stars; one submission).

Allele frequency attached by ClinVar (database versions not stated): gnomAD exomes below 0.00001 and 0.00001.

Submission:

Labcorp Genetics (formerly Invitae), Labcorp
Classification: Pathogenic. Last evaluated: 2024-02-16. Review status: criteria provided, single submitter. Criteria: Invitae Variant Classification Sherloc (09022015). Collection method: clinical testing. Allele origin: germline.
Comment: This sequence change creates a premature translational stop signal (p.Thr149Asnfs*29) in the SEPSECS gene. It is expected to result in an absent or disrupted protein product. Loss-of-function variants in SEPSECS are known to be pathogenic (PMID: 25558065, 25590979, 26115735). This variant is present in population databases (no rsID available, gnomAD 0.0009%). This variant has not been reported in the literature in individuals affected with SEPSECS-related conditions. ClinVar contains an entry for this variant (Variation ID: 857931). For these reasons, this variant has been classified as Pathogenic.

Literature cited by the submitters: PubMed 25558065; PubMed 25590979; PubMed 26115735.